The following is an entry in ClinVar:

NM_000256.3(MYBPC3):c.3065G>A (p.Arg1022His)

Gene: MYBPC3 (myosin binding protein C3; minus strand). Cytogenetic location: 11p11.2.
Variant type: single nucleotide variant.
Coding change: c.3065G>A on transcript NM_000256.3 (MANE Select); coding-DNA position 3065, G replaced by A.
Protein change: p.Arg1022His; replaces arginine 1022 with histidine.
Molecular consequence: missense variant.
Genome position (GRCh38, 1-based): chr11:47,333,682, C>T on the plus strand (G>A on the coding strand, the complement: MYBPC3 is on the minus strand). VCF-style: chr11-47333682-C-T. GRCh37 (hg19) VCF-style: chr11-47355233-C-T.
Other names: short protein forms R1022H.
Identifiers: ClinVar variation 42681 (VCV000042681.24), dbSNP rs397516000, ClinGen allele CA013397.

ClinVar aggregate classification (germline): Uncertain significance. Review status: criteria provided, multiple submitters, no conflicts (2 of 4 stars). 8 submissions from 8 submitters: Uncertain significance (8). Last evaluated 2026-05-13.

Conditions:
MYBPC3-related disorder. Also called: MYBPC3-related disorders; MYBPC3-related condition; MYBPC3-related disease.
Cardiomyopathy (CMYO). Also called: Cardiomyopathies. Identifiers: Orphanet 167848, MedGen C0878544, MONDO:0004994, HP:0001638. Inheritance: Various modes of inheritance.
Hypertrophic cardiomyopathy 1 (CMH1). Also called: Familial hypertrophic cardiomyopathy 1; MYH7-Related Familial Hypertrophic Cardiomyopathy. Identifiers: MedGen C3495498, MONDO:0008647, OMIM 192600.
Hypertrophic cardiomyopathy. Also called: HYPERTROPHIC MYOCARDIOPATHY. Identifiers: Orphanet 217569, MedGen C0007194, MeSH D002312, MONDO:0005045, HP:0001639.

gnomAD v4.1: 10 of 1,611,220 alleles (0.00062%); highest among the groups gnomAD compares: East Asian, 0.0067%; no homozygotes.

Submissions (8):

PreventionGenetics, part of Exact Sciences
Classification: Uncertain significance for MYBPC3-related condition. Last evaluated: 2026-05-13. Review status: criteria provided, single submitter. Criteria: ACMG Guidelines, 2015. Collection method: clinical testing. Allele origin: germline.
Comment: The MYBPC3 c.3065G>A variant is predicted to result in the amino acid substitution p.Arg1022His. This variant was reported as a variant of uncertain significance in individuals with hypertrophic cardiomyopathy (HCM) (Supplementary Table 2, Burns et al. 2017. PubMed ID: 28790153; Thompson et al. 2021. PubMed ID: 33782553; Ingles et al. 2017. PubMed ID: 28408708). In one study, this variant was only found in individuals with HCM that had multiple other gene variants (Table S2, Thompson et al. 2021. PubMed ID: 33782553). This variant is reported in 0.0041% of alleles in individuals of African descent in gnomAD. At this time, the clinical significance of this variant is uncertain due to the absence of conclusive functional and genetic evidence.

Labcorp Genetics (formerly Invitae), Labcorp
Classification: Uncertain significance for Hypertrophic cardiomyopathy. Last evaluated: 2025-11-01. Review status: criteria provided, single submitter. Criteria: Invitae Variant Classification Sherloc (09022015). Collection method: clinical testing. Allele origin: germline.
Comment: This sequence change replaces arginine, which is basic and polar, with histidine, which is basic and polar, at codon 1022 of the MYBPC3 protein (p.Arg1022His). The frequency data for this variant in the population databases is considered unreliable, as metrics indicate poor data quality at this position in the gnomAD database. This missense change has been observed in individuals with hypertrophic cardiomyopathy (PMID: 27532257, 28790153, 33782553; internal data). ClinVar contains an entry for this variant (Variation ID: 42681). An algorithm developed to predict the effect of missense changes on protein structure and function (PolyPhen-2) suggests that this variant is likely to be disruptive. This variant disrupts the p.Arg1022 amino acid residue in MYBPC3. Other variant(s) that disrupt this residue have been determined to be pathogenic (PMID: 16335287, 20433692, 23396983, 24093860). This suggests that this residue is clinically significant, and that variants that disrupt this residue are likely to be disease-causing. In summary, the available evidence is currently insufficient to determine the role of this variant in disease. Therefore, it has been classified as a Variant of Uncertain Significance.

GeneDx
Classification: Uncertain significance. Last evaluated: 2024-09-26. Review status: criteria provided, single submitter. Criteria: GeneDx Variant Classification Process June 2021. Collection method: clinical testing. Allele origin: germline. Affected: yes.
Comment: Identified in patients with HCM in published literature (PMID: 27532257, 28408708, 28790153, 32841044, 37652022); Not observed at significant frequency in large population cohorts (gnomAD); In silico analysis supports that this missense variant has a deleterious effect on protein structure/function; This variant is associated with the following publications: (PMID: 28408708, 33782553, 28790153, 27532257, 32841044, 37652022, 36243179)

All of Us Research Program, National Institutes of Health
Classification: Uncertain significance for Hypertrophic cardiomyopathy. Last evaluated: 2023-06-08. Review status: criteria provided, single submitter. Criteria: ACMG Guidelines, 2015. Collection method: clinical testing. Allele origin: germline. Inheritance: Autosomal dominant inheritance. Observed: 1 variant allele, 1 heterozygote.
Comment: This missense variant replaces arginine with histidine at codon 1022 of the MYBPC3 protein. Computational prediction is inconclusive regarding the impact of this variant on protein structure and function (internally defined REVEL score threshold 0.5 < inconclusive < 0.7, PMID: 27666373). To our knowledge, functional studies have not been reported for this variant. This variant has been reported in individuals affected with hypertrophic cardiomyopathy (PMID: 27532257, 28408708, 28790153, 32841044, 33782553). This variant has been identified in 2/278058 chromosomes in the general population by the Genome Aggregation Database (gnomAD). Different missense variants occurring at the same position, p.Arg1022Pro and p.Arg1022Cys, have been reported as disease-causing (ClinVar variation ID: 42682 and 42680), suggesting that arginine at this position is important for MYBPC3 protein function. Although there is a suspicion that this variant may be associated with disease, additional studies are necessary to determine the role of this variant in disease conclusively. Therefore, this variant is classified as a Variant of Uncertain Significance.

This study involves interpretation of variants in research participants for the purpose of population health screening. Participant phenotype was not available at the time of variant classification. Additional details can be found in publication PMID: 35346344, PMCID: PMC8962531

Color Diagnostics, LLC DBA Color Health
Classification: Uncertain significance for Cardiomyopathy. Last evaluated: 2023-03-30. Review status: criteria provided, single submitter. Criteria: ACMG Guidelines, 2015. Collection method: clinical testing. Allele origin: germline.
Comment: This missense variant replaces arginine with histidine at codon 1022 of the MYBPC3 protein. Computational prediction is inconclusive regarding the impact of this variant on protein structure and function (internally defined REVEL score threshold 0.5 < inconclusive < 0.7, PMID: 27666373). To our knowledge, functional studies have not been reported for this variant. This variant has been reported in individuals affected with hypertrophic cardiomyopathy (PMID: 27532257, 28408708, 28790153, 32841044, 33782553). This variant has been identified in 2/278058 chromosomes in the general population by the Genome Aggregation Database (gnomAD). Different missense variants occurring at the same position, p.Arg1022Pro and p.Arg1022Cys, have been reported as disease-causing (ClinVar variation ID: 42682 and 42680), suggesting that arginine at this position is important for MYBPC3 protein function. Although there is a suspicion that this variant may be associated with disease, additional studies are necessary to determine the role of this variant in disease conclusively. Therefore, this variant is classified as a Variant of Uncertain Significance.

AiLife Diagnostics
Classification: Uncertain significance. Last evaluated: 2020-06-23. Review status: criteria provided, single submitter. Criteria: ACMG Guidelines, 2015. Collection method: clinical testing. Allele origin: germline. Affected: yes. Observed: 1 variant allele.

Laboratory for Molecular Medicine, Mass General Brigham Personalized Medicine
Classification: Uncertain significance. Last evaluated: 2019-08-29. Review status: criteria provided, single submitter. Criteria: LMM Criteria. Collection method: clinical testing. Allele origin: germline. Observed: 1 variant allele.
Comment: Variant classified as Uncertain Significance - Favor Pathogenic. The p.Arg1022His variant in MYBPC3 has been identified in 2 individuals with HCM, one of whom was homozygous (Burns 2017, LMM data). It was also identified in 2/278058 chromosomes by gnomAD and has been reported in ClinVar (Variation ID#42681). Computational tools suggest that this variant may impact protein function; however, this information is not predictive enough to determine pathogenicity. In addition, two other variants involving this codon, p.Arg1022Cys and p.Arg1022Pro, have been identified in individuals with HCM, suggesting that changes at this position may not be tolerated. In summary, while there is some suspicion for a pathogenic role, the clinical significance of this variant is uncertain. ACMG/AMP Criteria applied: PM2, PM5_Supporting, PP3.

Agnes Ginges Centre for Molecular Cardiology, Centenary Institute
Classification: Uncertain significance for Hypertrophic cardiomyopathy 1. Last evaluated: 2015-03-11. Review status: criteria provided, single submitter. Criteria: Agnes Ginges Centre for Molecular Cardiology criteria (2015). Collection method: research. Allele origin: germline. Inheritance: Autosomal dominant inheritance. Affected: yes.
Comment: The MYBPC3 Arg1022His is a rare variant and is present in the 1000 genomes project (MAF=0.0002), and absent in the Exome Aggregation Consortium dataset. Interestingly, different rare variants at this position (Arg1022Cys, Arg1022Pro, Arg1022Ser) have also been reported in multiple HCM individuals, suggesting that an amino acid substitution at this site may not be tolerated. Computational tools SIFT, MutationTaster, and PolyPhen-2 predict this variant to have a deleterious effect, but no prediction is called by PolyPhen-HCM. In summary, based on rarity in the general population and our limited familial data, we have classified MYBPC3 Arg1022His as a variant of "uncertain significance". Further evidence is required to fully understand its pathogenic role in HCM.

Literature cited by the submitters: PubMed 27532257 (cited by 5 submitters); PubMed 28790153 (cited by 5 submitters); PubMed 33782553 (cited by 3 submitters); PubMed 16335287 (cited by Labcorp Genetics (formerly Invitae), Labcorp); PubMed 20433692 (cited by Labcorp Genetics (formerly Invitae), Labcorp); PubMed 23396983 (cited by Labcorp Genetics (formerly Invitae), Labcorp); PubMed 24093860 (cited by Labcorp Genetics (formerly Invitae), Labcorp); PubMed 28408708 (cited by All of Us Research Program, National Institutes of Health and Color Diagnostics, LLC DBA Color Health); PubMed 32841044 (cited by All of Us Research Program, National Institutes of Health and Color Diagnostics, LLC DBA Color Health).